The following is an entry in ClinVar:

ClinVar aggregate classification (germline): Uncertain significance (1 of 4 stars; one submission).

Submission:

Labcorp Genetics (formerly Invitae), Labcorp
Classification: Uncertain significance. Last evaluated: 2020-12-22. Review status: criteria provided, single submitter. Criteria: Invitae Variant Classification Sherloc (09022015). Collection method: clinical testing. Allele origin: germline.
Comment: In summary, the available evidence is currently insufficient to determine the role of this variant in disease. Therefore, it has been classified as a Variant of Uncertain Significance. Algorithms developed to predict the effect of missense changes on protein structure and function are either unavailable or do not agree on the potential impact of this missense change (SIFT: "Deleterious"; PolyPhen-2: "Possibly Damaging"; Align-GVGD: "Class C0"). This variant has not been reported in the literature in individuals with CTNNA1-related conditions. This variant is not present in population databases (ExAC no frequency). This sequence change replaces alanine with glycine at codon 191 of the CTNNA1 protein (p.Ala191Gly). The alanine residue is moderately conserved and there is a small physicochemical difference between alanine and glycine.

NM_001903.5(CTNNA1):c.572C>G (p.Ala191Gly)

Gene: CTNNA1 (catenin alpha 1; plus strand). Cytogenetic location: 5q31.2.
Variant type: single nucleotide variant.
Coding change: c.572C>G on transcript NM_001903.5 (MANE Select); coding-DNA position 572, C replaced by G.
Protein change: p.Ala191Gly; replaces alanine 191 with glycine.
Molecular consequence: missense variant.
Genome position (GRCh38, 1-based): chr5:138,812,286, C>G. VCF-style: chr5-138812286-C-G. GRCh37 (hg19) VCF-style: chr5-138147975-C-G.
Other names: c.572C>G, p.Ala191Gly (NM_001290307.3, NM_001323982.2, NM_001323983.1 and 3 more transcripts); c.263C>G, p.Ala88Gly (NM_001290309.3); c.203C>G, p.Ala68Gly (NM_001290310.3); short protein forms A88G, A191G, A68G.
Identifiers: ClinVar variation 1510821 (VCV001510821.8), dbSNP rs2149736846, ClinGen allele CA361125621.